The following is an entry in ClinVar:

ClinVar aggregate classification (germline): Uncertain significance (1 of 4 stars; one submission).

Conditions:
NKX2-5-related disorder. Also called: NKX2-5-related condition.

Submission:

PreventionGenetics, part of Exact Sciences
Classification: Uncertain significance for NKX2-5-related condition. Last evaluated: 2025-12-05. Review status: criteria provided, single submitter. Criteria: ACMG Guidelines, 2015. Collection method: clinical testing. Allele origin: germline.
Comment: The NKX2-5 c.908T>C variant is predicted to result in the amino acid substitution p.Val303Ala. To our knowledge, this variant has not been reported in the literature. An alternate substitution of this amino acid residue (p.Val303Ile) has been reported in the heterozygous state in an individual with tetralogy of Fallot, and functional assays demonstrated the p.Val303Ile variant reduces protein activity (Yin et al. 2019. PubMed ID: 30121862). This variant is absent in a large population database (gnomAD), indicating this variant is rare. At this time, the clinical significance of this variant is uncertain due to the absence of conclusive functional and genetic evidence.

NM_004387.4(NKX2-5):c.908T>C (p.Val303Ala)

Gene: NKX2-5 (NK2 homeobox 5; minus strand). Cytogenetic location: 5q35.1.
Variant type: single nucleotide variant.
Coding change: c.908T>C on transcript NM_004387.4 (MANE Select); coding-DNA position 908, T replaced by C.
Protein change: p.Val303Ala; replaces valine 303 with alanine.
Molecular consequence: missense variant. On other transcripts: 3 prime UTR variant (2).
Genome position (GRCh38, 1-based): chr5:173,232,636, A>G on the plus strand (T>C on the coding strand, the complement: NKX2-5 is on the minus strand). VCF-style: chr5-173232636-A-G. GRCh37 (hg19) VCF-style: chr5-172659639-A-G.
Other names: c.*861T>C (NM_001166175.2); c.*707T>C (NM_001166176.2); short protein forms V303A.
Identifiers: ClinVar variation 4994485 (VCV004994485.1).